The following is an entry in ClinVar:

NM_206943.4(LTBP1):c.3718C>T (p.Arg1240Cys)

Gene: LTBP1 (latent transforming growth factor beta binding protein 1; plus strand). Cytogenetic location: 2p22.3.
Variant type: single nucleotide variant.
Coding change: c.3718C>T on transcript NM_206943.4 (MANE Select); coding-DNA position 3718, C replaced by T.
Protein change: p.Arg1240Cys; replaces arginine 1240 with cysteine.
Molecular consequence: missense variant.
Genome position (GRCh38, 1-based): chr2:33,315,257, C>T. VCF-style: chr2-33315257-C-T. GRCh37 (hg19) VCF-style: chr2-33540324-C-T.
Other names: c.2740C>T, p.Arg914Cys (NM_000627.4, NM_001166264.2, NM_001394912.1 and 1 more transcripts); c.2581C>T, p.Arg861Cys (NM_001166265.2, NM_001166266.2, NM_001394925.1); c.3559C>T, p.Arg1187Cys (NM_001394905.1); c.2737C>T, p.Arg913Cys (NM_001394906.1, NM_001394910.1, NM_001394919.1); c.2653C>T, p.Arg885Cys (NM_001394907.1); c.2620C>T, p.Arg874Cys (NM_001394908.1); c.2614C>T, p.Arg872Cys (NM_001394909.1, NM_001394917.1); c.2611C>T, p.Arg871Cys (NM_001394911.1); and 6 more; short protein forms R1187C, R1240C, R779C, R819C, R833C, R844C, R860C, R861C.
Identifiers: ClinVar variation 4872539 (VCV004872539.2).

ClinVar aggregate classification (germline): Uncertain significance (1 of 4 stars; one submission).

gnomAD v4.1: 46 of 1,611,972 alleles (0.0029%); highest among the groups gnomAD compares: Admixed American, 0.015%; no homozygotes.

Submission:

CeGaT Center for Human Genetics Tuebingen
Classification: Uncertain significance. Last evaluated: 2026-05-01. Review status: criteria provided, single submitter. Criteria: CeGaT Center For Human Genetics Tuebingen Variant Classification Criteria Version 2. Collection method: clinical testing. Allele origin: germline. Affected: yes. Observed: 1 variant allele.
Comment: LTBP1: PM2